The following is an entry in ClinVar:

ClinVar aggregate classification (germline): Pathogenic (1 of 4 stars; one submission).

Conditions:
Hereditary cancer-predisposing syndrome. Also called: Hereditary neoplastic syndrome; Hereditary Cancer Syndrome; Neoplastic Syndromes, Hereditary; Tumor predisposition. Identifiers: Orphanet 140162, MedGen C0027672, MeSH D009386, MONDO:0015356.

Submission:

Ambry Genetics
Classification: Pathogenic for Hereditary cancer-predisposing syndrome. Last evaluated: 2016-10-17. Review status: criteria provided, single submitter. Criteria: Ambry Variant Classification Scheme 2023. Collection method: clinical testing. Allele origin: germline.
Comment: The c.568_569dupGA pathogenic mutation, located in coding exon 5 of the APC gene, results from a duplication of GA at nucleotide position 568, causing a translational frameshift with a predicted alternate stop codon (p.Y191Nfs*15). This alteration is expected to result in loss of function by premature protein truncation or nonsense-mediated mRNA decay. As such, this alteration is interpreted as a disease-causing mutation.

NM_000038.6(APC):c.568_569dup (p.Tyr191fs)

Gene: APC (APC regulator of Wnt signaling pathway; plus strand). Cytogenetic location: 5q22.2.
Variant type: Duplication.
Coding change: c.568_569dup on transcript NM_000038.6 (MANE Select); coding-DNA positions 568 to 569, 2 bases duplicated (GA; older notation c.568_569dupGA).
Protein change: p.Tyr191fs; shifts the reading frame from tyrosine 191.
Molecular consequence: frameshift variant. On other transcripts: 5 prime UTR variant (1).
Genome position (GRCh38, 1-based): chr5:112,780,826-112,780,827, GA duplicated. VCF-style (leftmost placement, unchanged base first): chr5-112780825-G-GGA. GRCh37 (hg19) VCF-style: chr5-112116522-G-GGA.
Other names: c.568_569dup, p.Tyr191fs (NM_001127510.3, NM_001354895.2, NM_001354896.2 and 2 more transcripts); c.598_599dup, p.Tyr201fs (NM_001127511.3, NM_001354897.2, NM_001354902.2); c.493_494dup, p.Tyr166fs (NM_001354898.2, NM_001354904.2); c.391_392dup, p.Tyr132fs (NM_001354900.2, NM_001354901.2, NM_001354905.2); c.-468_-467dup (NM_001354906.2); short protein forms Y132fs, Y191fs, Y166fs, Y201fs.
Identifiers: ClinVar variation 229758 (VCV000229758.5), dbSNP rs876658176, ClinGen allele CA10578296.